The following is an entry in ClinVar:

ClinVar aggregate classification (germline): Uncertain significance (1 of 4 stars; one submission).

Conditions:
Rubinstein-Taybi syndrome due to EP300 haploinsufficiency. Also called: RUBINSTEIN-TAYBI SYNDROME 2; EP300-Related Rubinstein-Taybi Syndrome. Identifiers: Orphanet 353284, Orphanet 783, MedGen C3150941, MONDO:0013364, OMIM 613684.

Submission:

Dasa
Classification: Uncertain significance for Rubinstein-Taybi syndrome due to EP300 haploinsufficiency. Last evaluated: 2025-07-19. Review status: criteria provided, single submitter. Criteria: DASA Assertion Criteria. Collection method: clinical testing. Allele origin: germline.
Comment: NM_001429.4(EP300):c.4173-7del is a splice-region variant. This variant is absent from population databases. Computational prediction algorithms are consistent with a benign effect. The currently available literature and clinical evidence are not sufficient to establish a definitive association between this variant and the reported condition. Therefore, this variant is classified as a variant of uncertain significance.

NM_001429.4(EP300):c.4173-7del

Gene: EP300 (EP300 lysine acetyltransferase; plus strand). Cytogenetic location: 22q13.2.
Variant type: Deletion.
Coding change: c.4173-7del on transcript NM_001429.4 (MANE Select); 7 bases into the intron before coding-DNA position 4173, one base deleted (T; older notation c.4173-7delT).
Molecular consequence: intron variant.
Genome position (GRCh38, 1-based): chr22:41,169,496, T deleted; the last of 4 consecutive T bases (chr22:41,169,493-41,169,496); deleting any one gives the same sequence. VCF-style (leftmost placement, unchanged base first): chr22-41169492-AT-A. GRCh37 (hg19) VCF-style: chr22-41565496-AT-A.
Other names: c.4095-7del (NM_001362843.2).
Identifiers: ClinVar variation 4883958 (VCV004883958.2).
Genomic context (GRCh38, chr22:41,169,492, plus strand): 5'-CACATGGAGTAAAGAACTCATTATGTGACCTGACTTTTTTTTTCCTCTTCATTTCTCTTC[AT>A]TTTGTATAGGAGAGTATACATATCTTACCTCGATAGTGTTCATTTCTTCCGTCCTAAATG-3'